The following is an entry in ClinVar:

ClinVar aggregate classification (germline): Uncertain significance. Review status: criteria provided, multiple submitters, no conflicts (2 of 4 stars). 2 submissions from 2 submitters: Uncertain significance (2). Last evaluated 2024-10-08.

Conditions:
Heart defect - tongue hamartoma - polysyndactyly syndrome. Also called: Congenital heart defects, hamartomas of tongue, and polysyndactyly. Identifiers: Orphanet 1338, MedGen C1857587, MONDO:0009008, OMIM 217085.
Bardet-Biedl syndrome 15 (BBS15). Identifiers: Orphanet 110, MedGen C3150127, MONDO:0014443, OMIM 615992.
Bardet-Biedl syndrome (BBS). Identifiers: Orphanet 110, MedGen C0752166, MONDO:0015229.

Allele frequency attached by ClinVar (database versions not stated): gnomAD exomes below 0.00001.
gnomAD v4.1: 2 of 1,614,174 alleles (0.00012%); highest among the groups gnomAD compares: Admixed American, 0.0017%; no homozygotes.

Submissions (2):

Labcorp Genetics (formerly Invitae), Labcorp
Classification: Uncertain significance for Bardet-Biedl syndrome. Last evaluated: 2024-10-08. Review status: criteria provided, single submitter. Criteria: Invitae Variant Classification Sherloc (09022015). Collection method: clinical testing. Allele origin: germline.
Comment: This sequence change replaces lysine, which is basic and polar, with asparagine, which is neutral and polar, at codon 351 of the WDPCP protein (p.Lys351Asn). This variant is present in population databases (no rsID available, gnomAD 0.003%). This variant has not been reported in the literature in individuals affected with WDPCP-related conditions. ClinVar contains an entry for this variant (Variation ID: 1906625). Invitae Evidence Modeling of protein sequence and biophysical properties (such as structural, functional, and spatial information, amino acid conservation, physicochemical variation, residue mobility, and thermodynamic stability) has been performed for this missense variant. However, the output from this modeling did not meet the statistical confidence thresholds required to predict the impact of this variant on WDPCP protein function. In summary, the available evidence is currently insufficient to determine the role of this variant in disease. Therefore, it has been classified as a Variant of Uncertain Significance.

Fulgent Genetics
Classification: Uncertain significance for Heart defect - tongue hamartoma - polysyndactyly syndrome; Bardet-Biedl syndrome 15. Last evaluated: 2024-04-27. Review status: criteria provided, single submitter. Criteria: ACMG Guidelines, 2015. Collection method: clinical testing. Allele origin: germline.

NM_015910.7(WDPCP):c.1053A>C (p.Lys351Asn)

Gene: WDPCP (WD repeat containing planar cell polarity effector; minus strand). Cytogenetic location: 2p15.
Variant type: single nucleotide variant.
Coding change: c.1053A>C on transcript NM_015910.7 (MANE Select); coding-DNA position 1053, A replaced by C.
Protein change: p.Lys351Asn; replaces lysine 351 with asparagine.
Molecular consequence: missense variant. On other transcripts: non-coding transcript variant (3).
Genome position (GRCh38, 1-based): chr2:63,404,430, T>G on the plus strand (A>C on the coding strand, the complement: WDPCP is on the minus strand). VCF-style: chr2-63404430-T-G. GRCh37 (hg19) VCF-style: chr2-63631565-T-G.
Other names: c.576A>C, p.Lys192Asn (NM_001042692.3); c.981A>C, p.Lys327Asn (NM_001354044.2); c.1053A>C, p.Lys351Asn (NM_001354045.2); short protein forms K327N, K192N, K351N.
Identifiers: ClinVar variation 1906625 (VCV001906625.5), dbSNP rs1278753501, ClinGen allele CA347065237.
Genomic context (GRCh38, chr2:63,404,430, plus strand): 5'-AGTCACTCTACGGTGAGTTTCATAAAGAATTAGCGAAGAATCTTCACAGCCCAGAATCAG[T>G]TTGTCTTCAGTAACATTCCTGCAGCAGCTGATGGCCTTTGACTTTAGTGGTATTCTGGTG-3'
Protein context (NP_056994.3, residues 341-361): ISCCRNVTED[Lys351Asn]LILGCEDSSL